The following is an entry in ClinVar:

NM_001379500.1(COL18A1):c.107-11987C>A

Gene: COL18A1 (collagen type XVIII alpha 1 chain; plus strand). Cytogenetic location: 21q22.3.
Variant type: single nucleotide variant.
Coding change: c.107-11987C>A on transcript NM_001379500.1 (MANE Select); 11987 bases into the intron before coding-DNA position 107, C replaced by A.
Molecular consequence: intron variant. On other transcripts: nonsense (1).
Genome position (GRCh38, 1-based): chr21:45,456,255, C>A. VCF-style: chr21-45456255-C-A. GRCh37 (hg19) VCF-style: chr21-46876169-C-A.
Other names: c.725C>A (NM_130444.2); c.725C>A, p.Ser242Ter (NM_130444.3); c.646+79C>A (NM_030582.4); short protein forms S242*.
Identifiers: ClinVar variation 1098639 (VCV001098639.2), dbSNP rs757523045, ClinGen allele CA10065556.

ClinVar aggregate classification (germline): Conflicting classifications of pathogenicity. Review status: criteria provided, conflicting classifications (1 of 4 stars). 2 submissions from 2 submitters: Likely pathogenic (1); Uncertain significance (1). Last evaluated 2026-03-14.

Conditions:
COL18A1-related disorder. Also called: COL18A1-related disorders; COL18A1-related condition.
Knobloch syndrome (KNO). Also called: Myopia retinal detachment encephalocele; RETINAL DETACHMENT AND OCCIPITAL ENCEPHALOCELE. Identifiers: Orphanet 1571, MedGen C1849409, MONDO:0800166.

Allele frequency attached by ClinVar (database versions not stated): ExAC 0.00003.
gnomAD v4.1: 18 of 1,565,728 alleles (0.0011%); highest among the groups gnomAD compares: African/African-American, 0.02%; no homozygotes.

Submissions (2):

PreventionGenetics, part of Exact Sciences
Classification: Uncertain significance for COL18A1-related condition. Last evaluated: 2026-03-14. Review status: criteria provided, single submitter. Criteria: ACMG Guidelines, 2015. Collection method: clinical testing. Allele origin: germline.
Comment: The COL18A1 c.725C>A variant is predicted to result in premature protein termination (p.Ser242*). In alternate transcript NM_130445, this variant is deep intronic, denoted as c.107-11987C>A. This deep intronic variant is not predicted to alter splicing (SpliceAI, Jaganathan et al. 2019. PubMed ID: 30661751). To our knowledge, this variant has not been reported in the literature. This variant is reported in 0.030% of alleles in individuals of African descent in gnomAD. At this time, the clinical significance of this variant is uncertain due to the absence of conclusive functional and genetic evidence.

New York Genome Center
Classification: Likely pathogenic for Knobloch syndrome 1. Last evaluated: 2020-05-19. Review status: criteria provided, single submitter. Criteria: NYGC Assertion Criteria 2020. Collection method: clinical testing. Allele origin: germline. Observed: 1 heterozygote. Study: CSER-NYCKidSeq.